The following is an entry in ClinVar:

NM_000540.3(RYR1):c.7729A>C (p.Ile2577Leu)

Gene: RYR1 (ryanodine receptor 1; plus strand). Cytogenetic location: 19q13.2.
Variant type: single nucleotide variant.
Coding change: c.7729A>C on transcript NM_000540.3 (MANE Select); coding-DNA position 7729, A replaced by C.
Protein change: p.Ile2577Leu; replaces isoleucine 2577 with leucine.
Molecular consequence: missense variant.
Genome position (GRCh38, 1-based): chr19:38,502,621, A>C. VCF-style: chr19-38502621-A-C. GRCh37 (hg19) VCF-style: chr19-38993261-A-C.
Other names: c.7729A>C, p.Ile2577Leu (NM_001042723.2); short protein forms I2577L.
Identifiers: ClinVar variation 938333 (VCV000938333.7), dbSNP rs567321458, ClinGen allele CA070082.

ClinVar aggregate classification (germline): Uncertain significance (1 of 4 stars; one submission).

Conditions:
RYR1-related disorder. Also called: RYR1-related disorders; RYR1-related condition. Identifiers: MedGen CN239331.

Allele frequency attached by ClinVar (database versions not stated): gnomAD 0.00001; 1000 Genomes Project 30x 0.00016; 1000 Genomes Project 0.00020.
gnomAD v4.1: 3 of 1,612,754 alleles (0.00019%); highest among the groups gnomAD compares: East Asian, 0.0022%; no homozygotes.

Submission:

Labcorp Genetics (formerly Invitae), Labcorp
Classification: Uncertain significance for RYR1-related disorder. Last evaluated: 2022-09-06. Review status: criteria provided, single submitter. Criteria: Invitae Variant Classification Sherloc (09022015). Collection method: clinical testing. Allele origin: germline.
Comment: This sequence change replaces isoleucine, which is neutral and non-polar, with leucine, which is neutral and non-polar, at codon 2577 of the RYR1 protein (p.Ile2577Leu). This variant is present in population databases (rs567321458, gnomAD 0.006%). This variant has not been reported in the literature in individuals affected with RYR1-related conditions. ClinVar contains an entry for this variant (Variation ID: 938333). Advanced modeling of protein sequence and biophysical properties (such as structural, functional, and spatial information, amino acid conservation, physicochemical variation, residue mobility, and thermodynamic stability) performed at Invitae indicates that this missense variant is not expected to disrupt RYR1 protein function. In summary, the available evidence is currently insufficient to determine the role of this variant in disease. Therefore, it has been classified as a Variant of Uncertain Significance.